The following is an entry in ClinVar:

NM_000098.3(CPT2):c.448A>C (p.Thr150Pro)

Gene: CPT2 (carnitine palmitoyltransferase 2; plus strand). Cytogenetic location: 1p32.3.
Variant type: single nucleotide variant.
Coding change: c.448A>C on transcript NM_000098.3 (MANE Select); coding-DNA position 448, A replaced by C.
Protein change: p.Thr150Pro; replaces threonine 150 with proline.
Molecular consequence: missense variant.
Genome position (GRCh38, 1-based): chr1:53,210,122, A>C. VCF-style: chr1-53210122-A-C. GRCh37 (hg19) VCF-style: chr1-53675794-A-C.
Other names: c.448A>C, p.Thr150Pro (NM_001330589.2); short protein forms T150P.
Identifiers: ClinVar variation 1022212 (VCV001022212.5), dbSNP rs141505320, ClinGen allele CA22637671.

ClinVar aggregate classification (germline): Uncertain significance (1 of 4 stars; one submission).

Conditions:
Carnitine palmitoyltransferase II deficiency. Also called: Carnitine Palmitoyltransferase 2 Deficiency. Identifiers: Orphanet 157, MedGen C0342790, MONDO:0015515.

Allele frequency attached by ClinVar (database versions not stated): TOPMed 0.00003.
gnomAD v4.1: 6 of 1,613,944 alleles (0.00037%); highest among the groups gnomAD compares: African/African-American, 0.008%; no homozygotes.

Submission:

Labcorp Genetics (formerly Invitae), Labcorp
Classification: Uncertain significance for Carnitine palmitoyltransferase II deficiency. Last evaluated: 2022-08-31. Review status: criteria provided, single submitter. Criteria: Invitae Variant Classification Sherloc (09022015). Collection method: clinical testing. Allele origin: germline.
Comment: In summary, the available evidence is currently insufficient to determine the role of this variant in disease. Therefore, it has been classified as a Variant of Uncertain Significance. Advanced modeling of protein sequence and biophysical properties (such as structural, functional, and spatial information, amino acid conservation, physicochemical variation, residue mobility, and thermodynamic stability) performed at Invitae indicates that this missense variant is not expected to disrupt CPT2 protein function. ClinVar contains an entry for this variant (Variation ID: 1022212). This variant has not been reported in the literature in individuals affected with CPT2-related conditions. This variant is present in population databases (no rsID available, gnomAD 0.008%). This sequence change replaces threonine, which is neutral and polar, with proline, which is neutral and non-polar, at codon 150 of the CPT2 protein (p.Thr150Pro).